The following is an entry in ClinVar:

NM_001042492.3(NF1):c.7712G>A (p.Arg2571Lys)

Gene: NF1 (neurofibromin 1; plus strand). Cytogenetic location: 17q11.2.
Variant type: single nucleotide variant.
Coding change: c.7712G>A on transcript NM_001042492.3 (MANE Select); coding-DNA position 7712, G replaced by A.
Protein change: p.Arg2571Lys; replaces arginine 2571 with lysine.
Molecular consequence: missense variant.
Genome position (GRCh38, 1-based): chr17:31,356,556, G>A. VCF-style: chr17-31356556-G-A. GRCh37 (hg19) VCF-style: chr17-29683574-G-A.
Other names: c.7649G>A, p.Arg2550Lys (NM_000267.4); short protein forms R2550K, R2571K.
Identifiers: ClinVar variation 656251 (VCV000656251.9), dbSNP rs1597865842, ClinGen allele CA399018183.

ClinVar aggregate classification (germline): Uncertain significance. Review status: criteria provided, multiple submitters, no conflicts (2 of 4 stars). 2 submissions from 2 submitters: Uncertain significance (2). Last evaluated 2023-06-16.

Conditions:
Neurofibromatosis, type 1 (NF1). Also called: VON RECKLINGHAUSEN DISEASE; NEUROFIBROMATOSIS, TYPE I, SOMATIC; Peripheral type neurofibromatosis; Neurofibromatosis, type I. Identifiers: Orphanet 636, MedGen C0027831, MONDO:0018975, OMIM 162200. Disease mechanism: loss of function.

gnomAD v4.1: 1 of 1,613,780 alleles (0.000062%); highest among the groups gnomAD compares: Non-Finnish European, 0.000085%; no homozygotes.

Submissions (2):

Labcorp Genetics (formerly Invitae), Labcorp
Classification: Uncertain significance for Neurofibromatosis, type 1. Last evaluated: 2023-06-16. Review status: criteria provided, single submitter. Criteria: Invitae Variant Classification Sherloc (09022015). Collection method: clinical testing. Allele origin: germline.
Comment: Advanced modeling of protein sequence and biophysical properties (such as structural, functional, and spatial information, amino acid conservation, physicochemical variation, residue mobility, and thermodynamic stability) performed at Invitae indicates that this missense variant is not expected to disrupt NF1 protein function. In summary, the available evidence is currently insufficient to determine the role of this variant in disease. Therefore, it has been classified as a Variant of Uncertain Significance. This sequence change replaces arginine, which is basic and polar, with lysine, which is basic and polar, at codon 2550 of the NF1 protein (p.Arg2550Lys). This variant is not present in population databases (gnomAD no frequency). This variant has not been reported in the literature in individuals affected with NF1-related conditions. ClinVar contains an entry for this variant (Variation ID: 656251).

GeneDx
Classification: Uncertain significance. Last evaluated: 2022-07-26. Review status: criteria provided, single submitter. Criteria: GeneDx Variant Classification Process June 2021. Collection method: clinical testing. Allele origin: germline. Affected: yes.
Comment: Not observed at significant frequency in large population cohorts (gnomAD); In silico analysis supports that this missense variant does not alter protein structure/function; Has not been previously published as pathogenic or benign to our knowledge